The following is an entry in ClinVar:

NM_000466.3(PEX1):c.1177G>A (p.Glu393Lys)

Gene: PEX1 (peroxisomal biogenesis factor 1; minus strand). Cytogenetic location: 7q21.2.
Variant type: single nucleotide variant.
Coding change: c.1177G>A on transcript NM_000466.3 (MANE Select); coding-DNA position 1177, G replaced by A.
Protein change: p.Glu393Lys; replaces glutamic acid 393 with lysine.
Molecular consequence: missense variant.
Genome position (GRCh38, 1-based): chr7:92,517,338, C>T on the plus strand (G>A on the coding strand, the complement: PEX1 is on the minus strand). VCF-style: chr7-92517338-C-T. GRCh37 (hg19) VCF-style: chr7-92146652-C-T.
Other names: c.1177G>A, p.Glu393Lys (NM_001282677.2); c.553G>A, p.Glu185Lys (NM_001282678.2); short protein forms E393K, E185K.
Identifiers: ClinVar variation 1515179 (VCV001515179.3), dbSNP rs2116242745, ClinGen allele CA368197448.

ClinVar aggregate classification (germline): Uncertain significance (1 of 4 stars; one submission).

Conditions:
Zellweger spectrum disorders (ZS). Also called: Zellweger Spectrum Disorder; Zellweger Spectrum; Zellweger syndrome; Zellweger Spectrum Disorder (ZSD). Identifiers: Orphanet 912, MedGen C0043459, MONDO:0019609.

Allele frequency attached by ClinVar (database versions not stated): gnomAD exomes below 0.00001.

Submission:

Labcorp Genetics (formerly Invitae), Labcorp
Classification: Uncertain significance for Zellweger spectrum disorders. Last evaluated: 2022-08-23. Review status: criteria provided, single submitter. Criteria: Invitae Variant Classification Sherloc (09022015). Collection method: clinical testing. Allele origin: germline.
Comment: This sequence change replaces glutamic acid, which is acidic and polar, with lysine, which is basic and polar, at codon 393 of the PEX1 protein (p.Glu393Lys). This variant is not present in population databases (gnomAD no frequency). This variant has not been reported in the literature in individuals affected with PEX1-related conditions. ClinVar contains an entry for this variant (Variation ID: 1515179). Algorithms developed to predict the effect of missense changes on protein structure and function (SIFT, PolyPhen-2, Align-GVGD) all suggest that this variant is likely to be tolerated. In summary, the available evidence is currently insufficient to determine the role of this variant in disease. Therefore, it has been classified as a Variant of Uncertain Significance.